The following is an entry in ClinVar:

NM_001370259.2(MEN1):c.1522C>T (p.Gln508Ter)

Gene: MEN1 (menin 1; minus strand). Cytogenetic location: 11q13.1.
Variant type: single nucleotide variant.
Coding change: c.1522C>T on transcript NM_001370259.2 (MANE Select); coding-DNA position 1522, C replaced by T.
Protein change: p.Gln508Ter; replaces glutamine 508 with a stop codon.
Molecular consequence: nonsense.
Genome position (GRCh38, 1-based): chr11:64,804,645, G>A on the plus strand (C>T on the coding strand, the complement: MEN1 is on the minus strand). VCF-style: chr11-64804645-G-A. GRCh37 (hg19) VCF-style: chr11-64572117-G-A.
Other names: c.1537C>T, p.Gln513Ter (NM_000244.4, NM_130800.3, NM_130801.3 and 3 more transcripts); c.1648C>T, p.Gln550Ter (NM_001370251.2); c.1522C>T, p.Gln508Ter (NM_001370260.2, NM_001370261.2, NM_130799.3); c.1417C>T, p.Gln473Ter (NM_001370262.2, NM_001370263.2); short protein forms Q473*, Q513*, Q508*, Q550*.
Identifiers: ClinVar variation 931033 (VCV000931033.5), dbSNP rs386833403, ClinGen allele CA381178699.

ClinVar aggregate classification (germline): Pathogenic. Review status: criteria provided, multiple submitters, no conflicts (2 of 4 stars). 2 submissions from 2 submitters: Pathogenic (2). Last evaluated 2026-09-23.

Conditions:
Multiple endocrine neoplasia, type 1 (MEN1). Also called: MEA I; MEN I; WERMER SYNDROME; Endocrine adenomatosis multiple; MEN 1. Identifiers: Orphanet 652, MedGen C0025267, MeSH D018761, MONDO:0007540, OMIM 131100.

Submissions (2):

Myriad Genetics, Inc.
Classification: Pathogenic for Multiple endocrine neoplasia, type 1. Last evaluated: 2026-09-23. Review status: criteria provided, single submitter. Criteria: Myriad Autosomal Dominant, Autosomal Recessive and X-Linked Classification Criteria (2023). Collection method: clinical testing. Allele origin: unknown.
Comment: This variant is considered pathogenic. This variant creates a termination codon and is predicted to result in premature protein truncation.

Centre for Mendelian Genomics, University Medical Centre Ljubljana
Classification: Pathogenic for Multiple endocrine neoplasia, type 1. Last evaluated: 2019-03-31. Review status: criteria provided, single submitter. Criteria: ACMG Guidelines, 2015. Collection method: clinical testing. Allele origin: unknown. Affected: yes.
Comment: This variant was classified as: Pathogenic. The following ACMG criteria were applied in classifying this variant: PVS1,PM2,PP4.